The following is an entry in ClinVar:

NM_001174089.2(SLC4A11):c.1490-2A>G

Gene: SLC4A11 (solute carrier family 4 member 11; minus strand). Cytogenetic location: 20p13.
Variant type: single nucleotide variant.
Coding change: c.1490-2A>G on transcript NM_001174089.2 (MANE Select); the canonical splice acceptor site of the intron before coding-DNA position 1490, A replaced by G.
Molecular consequence: splice acceptor variant.
Genome position (GRCh38, 1-based): chr20:3,229,778, T>C on the plus strand (A>G on the coding strand, the complement: SLC4A11 is on the minus strand). VCF-style: chr20-3229778-T-C. GRCh37 (hg19) VCF-style: chr20-3210424-T-C.
Other names: c.1433-2A>G (NM_001400277.1, NM_001400278.1, NM_001400279.1); c.1376-2A>G (NM_001363745.2); c.1505-2A>G (NM_001400280.1); c.1619-2A>G (NM_001174090.2); c.1538-2A>G (NM_032034.4).
Identifiers: ClinVar variation 854242 (VCV000854242.10), dbSNP rs1430176022, ClinGen allele CA408088349.

ClinVar aggregate classification (germline): Likely pathogenic. Review status: criteria provided, multiple submitters, no conflicts (2 of 4 stars). 2 submissions from 2 submitters: Likely pathogenic (2). Last evaluated 2024-03-26.

Conditions:
Corneal dystrophy-perceptive deafness syndrome (CDPD). Also called: CORNEAL DYSTROPHY AND SENSORINEURAL DEAFNESS; HARBOYAN SYNDROME. Identifiers: Orphanet 1490, MedGen C1857572, MONDO:0009015, OMIM 217400.

Allele frequency attached by ClinVar (database versions not stated): gnomAD exomes below 0.00001.
gnomAD v4.1: 2 of 1,613,710 alleles (0.00012%); highest among the groups gnomAD compares: Non-Finnish European, 0.000085%; no homozygotes.

Submissions (2):

Natera, Inc.
Classification: Likely pathogenic for Corneal dystrophy-perceptive deafness syndrome. Last evaluated: 2024-03-26. Review status: criteria provided, single submitter. Criteria: Natera Variant Classification Schema (03/2026). Collection method: clinical testing. Allele origin: germline.
Comment: The c.1538-2A>G variant in SLC4A11 is a canonical splice acceptor site variant predicted to affect pre-mRNA splicing, which may result in an abnormal transcript and altered protein product. This variant is expected to result in nonsense mediated decay, truncation, or a dysfunctional protein product. This variant is rare in the general population with a frequency below the threshold expected for the associated phenotype(s). Given the available evidence, this variant is classified as Likely Pathogenic.

Labcorp Genetics (formerly Invitae), Labcorp
Classification: Likely pathogenic. Last evaluated: 2023-11-13. Review status: criteria provided, single submitter. Criteria: Invitae Variant Classification Sherloc (09022015). Collection method: clinical testing. Allele origin: germline.
Comment: This sequence change affects an acceptor splice site in intron 12 of the SLC4A11 gene. It is expected to disrupt RNA splicing. Variants that disrupt the donor or acceptor splice site typically lead to a loss of protein function (PMID: 16199547), and loss-of-function variants in SLC4A11 are known to be pathogenic (PMID: 17220209, 17679935). This variant is present in population databases (no rsID available, gnomAD 0.007%). This variant has not been reported in the literature in individuals affected with SLC4A11-related conditions. ClinVar contains an entry for this variant (Variation ID: 854242). Algorithms developed to predict the effect of sequence changes on RNA splicing suggest that this variant may disrupt the consensus splice site. In summary, the currently available evidence indicates that the variant is pathogenic, but additional data are needed to prove that conclusively. Therefore, this variant has been classified as Likely Pathogenic.

Literature cited by the submitters: PubMed 16199547 (cited by Labcorp Genetics (formerly Invitae), Labcorp); PubMed 17220209 (cited by Labcorp Genetics (formerly Invitae), Labcorp); PubMed 17679935 (cited by Labcorp Genetics (formerly Invitae), Labcorp).